The following is an entry in ClinVar:

NM_002439.5(MSH3):c.1286C>G (p.Pro429Arg)

Gene: MSH3 (mutS homolog 3; plus strand). Cytogenetic location: 5q14.1.
Variant type: single nucleotide variant.
Coding change: c.1286C>G on transcript NM_002439.5 (MANE Select); coding-DNA position 1286, C replaced by G.
Protein change: p.Pro429Arg; replaces proline 429 with arginine.
Molecular consequence: missense variant.
Genome position (GRCh38, 1-based): chr5:80,679,039, C>G. VCF-style: chr5-80679039-C-G. GRCh37 (hg19) VCF-style: chr5-79974858-C-G.
Other names: short protein forms P429R.
Identifiers: ClinVar variation 3296267 (VCV003296267.1).
Genomic context (GRCh38, chr5:80,679,039, plus strand): 5'-CTTCTCGTTCAGAGCTAGAAACCCGGATGTCAAGCCTGCAGCCAGTAGAGCTGCTGCTTC[C>G]TTCGGCCTTGTCCGAGCAAACAGAGGCGCTCATCCACAGAGCCACATCTGTTAGGTAAGT-3'
Protein context (NP_002430.3, residues 419-439): SSLQPVELLL[Pro429Arg]SALSEQTEAL

ClinVar aggregate classification (germline): Uncertain significance (1 of 4 stars; one submission).

Conditions:
Hereditary cancer-predisposing syndrome. Also called: Tumor predisposition; Hereditary Cancer Syndrome; Hereditary neoplastic syndrome; Neoplastic Syndromes, Hereditary. Identifiers: Orphanet 140162, MedGen C0027672, MeSH D009386, MONDO:0015356.

gnomAD v4.1: 1 of 1,614,156 alleles (0.000062%); highest among the groups gnomAD compares: Non-Finnish European, 0.000085%; no homozygotes.

Submission:

Ambry Genetics
Classification: Uncertain significance for Hereditary cancer-predisposing syndrome. Last evaluated: 2024-03-27. Review status: criteria provided, single submitter. Criteria: Ambry Variant Classification Scheme 2023. Collection method: clinical testing. Allele origin: germline.
Comment: The p.P429R variant (also known as c.1286C>G), located in coding exon 8 of the MSH3 gene, results from a C to G substitution at nucleotide position 1286. The proline at codon 429 is replaced by arginine, an amino acid with dissimilar properties. This amino acid position is conserved. In addition, this alteration is predicted to be deleterious by in silico analysis. Based on the available evidence, the clinical significance of this alteration remains unclear.